The following is an entry in ClinVar:

ClinVar aggregate classification (germline): Likely benign. Review status: criteria provided, multiple submitters, no conflicts (2 of 4 stars). 4 submissions from 4 submitters: Likely benign (3). 1 of the submissions does not count toward it. Last evaluated 2026-01-27.

Conditions:
Amyotrophic lateral sclerosis type 1 (ALS1). Also called: AMYOTROPHIC LATERAL SCLEROSIS 1, FAMILIAL. Identifiers: Orphanet 803, MedGen C1862939, MONDO:0007103, OMIM 105400.
Perry syndrome. Also called: PARKINSONISM WITH ALVEOLAR HYPOVENTILATION AND MENTAL DEPRESSION. Identifiers: Orphanet 178509, MedGen C1868594, MONDO:0008201, OMIM 168605.
Neuronopathy, distal hereditary motor, type 7B. Also called: Distal Hereditary Motor Neuronopathy Type 7B (dHMN7B); NEURONOPATHY, DISTAL HEREDITARY MOTOR, AUTOSOMAL DOMINANT 14; NEURONOPATHY, DISTAL HEREDITARY MOTOR, HARDING TYPE VIIB; NEUROPATHY, DISTAL HEREDITARY MOTOR, HARDING TYPE VIIB; NEUROPATHY, DISTAL HEREDITARY MOTOR, WITH VOCAL CORD PARALYSIS, HARDING TYPE VIIB; HMN VIIB. Identifiers: Orphanet 139589, MedGen C1843315, MONDO:0011879, OMIM 607641.
DCTN1-related disorder. Also called: DCTN1-related condition.

Allele frequency attached by ClinVar (database versions not stated): ExAC 0.00001; gnomAD 0.00001; gnomAD exomes 0.00002.
gnomAD v4.1: 30 of 1,613,972 alleles (0.0019%); highest among the groups gnomAD compares: East Asian, 0.0022%; no homozygotes.

Submissions (4):

Women's Health and Genetics/Laboratory Corporation of America, LabCorp
Classification: Likely benign. Last evaluated: 2026-01-27. Review status: criteria provided, single submitter. Criteria: LabCorp Variant Classification Summary - May 2015. Collection method: clinical testing. Allele origin: germline.

Labcorp Genetics (formerly Invitae), Labcorp
Classification: Likely benign for Amyotrophic lateral sclerosis type 1; Neuronopathy, distal hereditary motor, type 7B; Perry syndrome. Last evaluated: 2025-10-08. Review status: criteria provided, single submitter. Criteria: Invitae Variant Classification Sherloc (09022015). Collection method: clinical testing. Allele origin: germline.

Mayo Clinic Laboratories, Mayo Clinic
Classification: Likely benign. Last evaluated: 2025-09-30. Review status: criteria provided, single submitter. Criteria: ACMG Guidelines, 2015. Collection method: clinical testing. Allele origin: germline. Observed: 1 variant allele.
Comment: BP4, BP7

PreventionGenetics, part of Exact Sciences
Classification: Likely benign for DCTN1-related condition. Last evaluated: 2023-12-26. Review status: no assertion criteria provided. Collection method: clinical testing. Allele origin: germline. Not counted in ClinVar's aggregate classification.
Comment: This variant is classified as likely benign based on ACMG/AMP sequence variant interpretation guidelines (Richards et al. 2015 PMID: 25741868, with internal and published modifications).

NM_004082.5(DCTN1):c.1479C>T (p.Gly493=)

Gene: DCTN1 (dynactin subunit 1; minus strand). Cytogenetic location: 2p13.1.
Variant type: single nucleotide variant.
Coding change: c.1479C>T on transcript NM_004082.5 (MANE Select); coding-DNA position 1479, C replaced by T.
Protein change: p.Gly493=; no amino-acid change (glycine 493 retained).
Molecular consequence: synonymous variant. On other transcripts: non-coding transcript variant (1).
Genome position (GRCh38, 1-based): chr2:74,369,405, G>A on the plus strand (C>T on the coding strand, the complement: DCTN1 is on the minus strand). VCF-style: chr2-74369405-G-A. GRCh37 (hg19) VCF-style: chr2-74596532-G-A.
Other names: p.Gly493=; c.1419C>T, p.Gly473= (NM_001135040.3); c.1077C>T, p.Gly359= (NM_001135041.3, NM_023019.4); c.1368C>T, p.Gly456= (NM_001190836.2); c.1458C>T, p.Gly486= (NM_001190837.2); c.1428C>T, p.Gly476= (NM_001378991.1); c.1410C>T, p.Gly470= (NM_001378992.1); c.1479C>T (NM_004082.4).
Identifiers: ClinVar variation 1500912 (VCV001500912.10), dbSNP rs754282487, ClinGen allele CA1722139.